The following is an entry in ClinVar:

NM_004444.5(EPHB4):c.691C>G (p.Pro231Ala)

Gene: EPHB4 (EPH receptor B4; minus strand). Cytogenetic location: 7q22.1.
Variant type: single nucleotide variant.
Coding change: c.691C>G on transcript NM_004444.5 (MANE Select); coding-DNA position 691, C replaced by G.
Protein change: p.Pro231Ala; replaces proline 231 with alanine.
Molecular consequence: missense variant.
Genome position (GRCh38, 1-based): chr7:100,822,388, G>C on the plus strand (C>G on the coding strand, the complement: EPHB4 is on the minus strand). VCF-style: chr7-100822388-G-C. GRCh37 (hg19) VCF-style: chr7-100420010-G-C.
Other names: c.691C>G (NM_004444.4); short protein forms P231A.
Identifiers: ClinVar variation 2173919 (VCV002173919.5), dbSNP rs147563837, ClinGen allele CA163287116.

ClinVar aggregate classification (germline): Conflicting classifications of pathogenicity. Review status: criteria provided, conflicting classifications (1 of 4 stars). 2 submissions from 2 submitters: Uncertain significance (1); Likely benign (1). Last evaluated 2025-09-04.

Conditions:
Cardiovascular phenotype. Identifiers: MedGen CN230736.

Allele frequency attached by ClinVar (database versions not stated): 1000 Genomes Project 30x 0.00016; 1000 Genomes Project 0.00020.
gnomAD v4.1: 18 of 1,570,818 alleles (0.0011%); highest among the groups gnomAD compares: Admixed American, 0.019%; no homozygotes.

Submissions (2):

Ambry Genetics
Classification: Likely benign for Cardiovascular phenotype. Last evaluated: 2025-09-04. Review status: criteria provided, single submitter. Criteria: Ambry Variant Classification Scheme 2023. Collection method: clinical testing. Allele origin: germline.

Labcorp Genetics (formerly Invitae), Labcorp
Classification: Uncertain significance. Last evaluated: 2024-11-06. Review status: criteria provided, single submitter. Criteria: Invitae Variant Classification Sherloc (09022015). Collection method: clinical testing. Allele origin: germline.
Comment: This sequence change replaces proline, which is neutral and non-polar, with alanine, which is neutral and non-polar, at codon 231 of the EPHB4 protein (p.Pro231Ala). This variant is present in population databases (rs147563837, gnomAD no frequency). This variant has not been reported in the literature in individuals affected with EPHB4-related conditions. ClinVar contains an entry for this variant (Variation ID: 2173919). Invitae Evidence Modeling of protein sequence and biophysical properties (such as structural, functional, and spatial information, amino acid conservation, physicochemical variation, residue mobility, and thermodynamic stability) indicates that this missense variant is not expected to disrupt EPHB4 protein function with a negative predictive value of 95%. In summary, the available evidence is currently insufficient to determine the role of this variant in disease. Therefore, it has been classified as a Variant of Uncertain Significance.